The following is an entry in ClinVar:

ClinVar aggregate classification (germline): Pathogenic (1 of 4 stars; one submission).

Submission:

GeneDx
Classification: Pathogenic. Last evaluated: 2024-02-07. Review status: criteria provided, single submitter. Criteria: GeneDx Variant Classification Process June 2021. Collection method: clinical testing. Allele origin: germline. Affected: yes.
Comment: Nonsense variant predicted to result in protein truncation or nonsense mediated decay in a gene for which loss-of-function is a known mechanism of disease; Not observed at significant frequency in large population cohorts (gnomAD); Has not been previously published as pathogenic or benign to our knowledge

NM_194454.3(KRIT1):c.1981G>T (p.Gly661Ter)

Gene: KRIT1 (KRIT1 ankyrin repeat containing; minus strand). Cytogenetic location: 7q21.2.
Variant type: single nucleotide variant.
Coding change: c.1981G>T on transcript NM_194454.3 (MANE Select); coding-DNA position 1981, G replaced by T.
Protein change: p.Gly661Ter; replaces glycine 661 with a stop codon.
Molecular consequence: nonsense.
Genome position (GRCh38, 1-based): chr7:92,213,239, C>A on the plus strand (G>T on the coding strand, the complement: KRIT1 is on the minus strand). VCF-style: chr7-92213239-C-A. GRCh37 (hg19) VCF-style: chr7-91842553-C-A.
Other names: c.1837G>T, p.Gly613Ter (NM_001013406.2, NM_001350669.1, NM_001350670.1); c.1267G>T, p.Gly423Ter (NM_001350671.1); c.1981G>T, p.Gly661Ter (NM_001350672.1, NM_001350673.1, NM_001350674.1 and 26 more transcripts); short protein forms G423*, G613*, G661*.
Identifiers: ClinVar variation 2504568 (VCV002504568.2), dbSNP rs2535704229, ClinGen allele CA368139359.